The following is an entry in ClinVar:

NM_000540.3(RYR1):c.7434C>G (p.Thr2478=)

Gene: RYR1 (ryanodine receptor 1; plus strand). Cytogenetic location: 19q13.2.
Variant type: single nucleotide variant.
Coding change: c.7434C>G on transcript NM_000540.3 (MANE Select); coding-DNA position 7434, C replaced by G.
Protein change: p.Thr2478=; no amino-acid change (threonine 2478 retained).
Molecular consequence: synonymous variant.
Genome position (GRCh38, 1-based): chr19:38,500,716, C>G. VCF-style: chr19-38500716-C-G. GRCh37 (hg19) VCF-style: chr19-38991356-C-G.
Other names: c.7434C>G, p.Thr2478= (NM_001042723.2).
Identifiers: ClinVar variation 1107849 (VCV001107849.38), dbSNP rs747434152, ClinGen allele CA069624.
Genomic context (GRCh38, chr19:38,500,716, plus strand): 5'-CTCCCTTGTGCCCTTGGAGGACCTTGTGGGCATCATCAGCCTCCCACTGCAGATTCCCAC[C>G]CTGGGCAAAGGTGCAGAGGGGATGGAACTTGGCGAAGGAGTGATGCTGGGGAGGGAGCGG-3'
Protein context (NP_000531.2, residues 2468-2488): GIISLPLQIP[Thr2478=]LGKDGALVQP

ClinVar aggregate classification (germline): Conflicting classifications of pathogenicity. Review status: criteria provided, conflicting classifications (1 of 4 stars). 6 submissions from 6 submitters: Uncertain significance (1); Likely benign (5). Last evaluated 2026-01-17.

Conditions:
RYR1-related disorder. Also called: RYR1-related condition; RYR1-related disorders. Identifiers: MedGen CN239331.
Malignant hyperthermia, susceptibility to, 1 (MHS1). Also called: RYR1-Related Malignant Hyperthermia Susceptibility; Anesthesia related hyperthermia; Malignant hyperpyrexia; Fulminating hyperpyrexia; Pharmacogenic myopathy; Malignant hyperthermia suceptibility 1. Identifiers: Orphanet 423, MedGen C2930980, MONDO:0007783, OMIM 145600.

Allele frequency attached by ClinVar (database versions not stated): ExAC 0.00002; gnomAD exomes 0.00002.
gnomAD v4.1: 12 of 1,614,136 alleles (0.00074%); highest among the groups gnomAD compares: Non-Finnish European, 0.001%; no homozygotes.

Submissions (6):

Labcorp Genetics (formerly Invitae), Labcorp
Classification: Likely benign for RYR1-related disorder. Last evaluated: 2026-01-17. Review status: criteria provided, single submitter. Criteria: Invitae Variant Classification Sherloc (09022015). Collection method: clinical testing. Allele origin: germline.

Blueprint Genetics
Classification: Likely benign. Last evaluated: 2024-09-10. Review status: criteria provided, single submitter. Criteria: ACMG Guidelines, 2015. Collection method: clinical testing. Allele origin: germline.

All of Us Research Program, National Institutes of Health
Classification: Likely benign for Malignant hyperthermia, susceptibility to, 1. Last evaluated: 2024-07-10. Review status: criteria provided, single submitter. Criteria: ACMG Guidelines, 2015. Collection method: clinical testing. Allele origin: germline. Inheritance: Autosomal dominant inheritance. Observed: 4 variant alleles, 4 heterozygotes.
Comment: This study involves interpretation of variants in research participants for the purpose of population health screening. Participant phenotype was not available at the time of variant classification. Additional details can be found in publication PMID: 35346344, PMCID: PMC8962531

CeGaT Center for Human Genetics Tuebingen
Classification: Likely benign. Last evaluated: 2023-10-01. Review status: criteria provided, single submitter. Criteria: CeGaT Center For Human Genetics Tuebingen Variant Classification Criteria Version 2. Collection method: clinical testing. Allele origin: germline. Affected: yes. Observed: 1 variant allele.
Comment: RYR1: BP4, BP7

Color Diagnostics, LLC DBA Color Health
Classification: Likely benign for Malignant hyperthermia, susceptibility to, 1. Last evaluated: 2022-11-06. Review status: criteria provided, single submitter. Criteria: ACMG Guidelines, 2015. Collection method: clinical testing. Allele origin: germline.

Revvity Omics, Revvity
Classification: Uncertain significance. Last evaluated: 2022-04-01. Review status: criteria provided, single submitter. Criteria: ACMG Guidelines, 2015. Collection method: clinical testing. Allele origin: germline.